The following is an entry in ClinVar:

NM_205836.3(FBXO38):c.2489A>T (p.His830Leu)

Gene: FBXO38 (F-box protein 38; plus strand). Cytogenetic location: 5q32.
Variant type: single nucleotide variant.
Coding change: c.2489A>T on transcript NM_205836.3 (MANE Select); coding-DNA position 2489, A replaced by T.
Protein change: p.His830Leu; replaces histidine 830 with leucine.
Molecular consequence: missense variant. On other transcripts: intron variant (2).
Genome position (GRCh38, 1-based): chr5:148,427,783, A>T. VCF-style: chr5-148427783-A-T. GRCh37 (hg19) VCF-style: chr5-147807346-A-T.
Other names: c.2428+61A>T (NM_030793.5); c.1918+2082A>T (NM_001271723.2); short protein forms H830L.
Identifiers: ClinVar variation 1792027 (VCV001792027.2), dbSNP rs1311678353, ClinGen allele CA361657884.
Genomic context (GRCh38, chr5:148,427,783, plus strand): 5'-GTACGAGATCCGCCTTTTCCTTTAGGACTCTGCCACAAGGGGGGTCTTCAGGCCCAGCAC[A>T]TGATGAGAGGACTAATGGGAGTGGCTCTGGGGCTACAGGTGAGGACAGGAGGGGGAGCTC-3'
Protein context (NP_995308.1, residues 820-840): LPQGGSSGPA[His830Leu]DERTNGSGSG

ClinVar aggregate classification (germline): Uncertain significance (1 of 4 stars; one submission).

gnomAD v4.1: 19 of 1,611,128 alleles (0.0012%); highest among the groups gnomAD compares: Non-Finnish European, 0.0016%; no homozygotes.

Submission:

Ambry Genetics
Classification: Uncertain significance. Last evaluated: 2022-07-07. Review status: criteria provided, single submitter. Criteria: Ambry Variant Classification Scheme 2023. Collection method: clinical testing. Allele origin: germline.
Comment: The p.H830L variant (also known as c.2489A>T), located in coding exon 14 of the FBXO38 gene, results from an A to T substitution at nucleotide position 2489. The histidine at codon 830 is replaced by leucine, an amino acid with similar properties. This amino acid position is not well conserved in available vertebrate species. In addition, this alteration is predicted to be tolerated by in silico analysis. Since supporting evidence is limited at this time, the clinical significance of this alteration remains unclear.